The following is an entry in ClinVar:

ClinVar aggregate classification (germline): Uncertain significance (1 of 4 stars; one submission).

Submission:

GeneDx
Classification: Uncertain significance. Last evaluated: 2023-11-29. Review status: criteria provided, single submitter. Criteria: GeneDx Variant Classification Process June 2021. Collection method: clinical testing. Allele origin: germline. Affected: yes.
Comment: Not observed at significant frequency in large population cohorts (gnomAD); In silico analysis supports that this missense variant has a deleterious effect on protein structure/function; Has not been previously published as pathogenic or benign to our knowledge

NM_001690.4(ATP6V1A):c.1777G>A (p.Gly593Ser)

Gene: ATP6V1A (ATPase H+ transporting V1 subunit A; plus strand). Cytogenetic location: 3q13.31.
Variant type: single nucleotide variant.
Coding change: c.1777G>A on transcript NM_001690.4 (MANE Select); coding-DNA position 1777, G replaced by A.
Protein change: p.Gly593Ser; replaces glycine 593 with serine.
Molecular consequence: missense variant.
Genome position (GRCh38, 1-based): chr3:113,809,350, G>A. VCF-style: chr3-113809350-G-A. GRCh37 (hg19) VCF-style: chr3-113528197-G-A.
Other names: short protein forms G593S.
Identifiers: ClinVar variation 3365016 (VCV003365016.1).
Genomic context (GRCh38, chr3:113,809,350, plus strand): 5'-AATTATTTTCCAAATGCGAGTTGAATTTGTAATGTCTTCTTTCAGGATCCACTGAAAGAT[G>A]GTGAGGCAAAGATCAAAAGCGACTATGCACAACTTCTTGAAGACATGCAGAATGCATTCC-3'
Protein context (NP_001681.2, residues 583-603): SMKFKDPLKD[Gly593Ser]EAKIKSDYAQ